The following is an entry in ClinVar:

NM_025132.4(WDR19):c.934A>G (p.Ile312Val)

Gene: WDR19 (WD repeat domain 19; plus strand). Cytogenetic location: 4p14.
Variant type: single nucleotide variant.
Coding change: c.934A>G on transcript NM_025132.4 (MANE Select); coding-DNA position 934, A replaced by G.
Protein change: p.Ile312Val; replaces isoleucine 312 with valine.
Molecular consequence: missense variant.
Genome position (GRCh38, 1-based): chr4:39,214,644, A>G. VCF-style: chr4-39214644-A-G. GRCh37 (hg19) VCF-style: chr4-39216264-A-G.
Other names: c.454A>G, p.Ile152Val (NM_001317924.2); short protein forms I312V, I152V.
Identifiers: ClinVar variation 4794140 (VCV004794140.1).

ClinVar aggregate classification (germline): Uncertain significance (1 of 4 stars; one submission).

Conditions:
Senior-Loken syndrome 8 (SLSN8). Identifiers: Orphanet 3156, MedGen C4225376, MONDO:0014579, OMIM 616307.
Asphyxiating thoracic dystrophy 5 (SRTD5). Also called: SHORT-RIB THORACIC DYSPLASIA 5 WITH OR WITHOUT POLYDACTYLY; SHORT-RIB THORACIC DYSPLASIA 5 WITHOUT POLYDACTYLY. Identifiers: Orphanet 474, MedGen C3280598, MONDO:0013717, OMIM 614376.

Submission:

Labcorp Genetics (formerly Invitae), Labcorp
Classification: Uncertain significance for Senior-Loken syndrome 8; Asphyxiating thoracic dystrophy 5. Last evaluated: 2025-10-27. Review status: criteria provided, single submitter. Criteria: Invitae Variant Classification Sherloc (09022015). Collection method: clinical testing. Allele origin: germline.
Comment: This sequence change replaces isoleucine, which is neutral and non-polar, with valine, which is neutral and non-polar, at codon 312 of the WDR19 protein (p.Ile312Val). This variant is present in population databases (rs780050672, gnomAD 0.006%). This variant has not been reported in the literature in individuals affected with WDR19-related conditions. Invitae Evidence Modeling of protein sequence and biophysical properties (such as structural, functional, and spatial information, amino acid conservation, physicochemical variation, residue mobility, and thermodynamic stability) indicates that this missense variant is not expected to disrupt WDR19 protein function with a negative predictive value of 80%. In summary, the available evidence is currently insufficient to determine the role of this variant in disease. Therefore, it has been classified as a Variant of Uncertain Significance.